The following is an entry in ClinVar:

NM_000088.4(COL1A1):c.607G>C (p.Gly203Arg)

Gene: COL1A1 (collagen type I alpha 1 chain; minus strand). Cytogenetic location: 17q21.33.
Variant type: single nucleotide variant.
Coding change: c.607G>C on transcript NM_000088.4 (MANE Select); coding-DNA position 607, G replaced by C.
Protein change: p.Gly203Arg; replaces glycine 203 with arginine.
Molecular consequence: missense variant.
Genome position (GRCh38, 1-based): chr17:50,197,984, C>G on the plus strand (G>C on the coding strand, the complement: COL1A1 is on the minus strand). VCF-style: chr17-50197984-C-G. GRCh37 (hg19) VCF-style: chr17-48275345-C-G.
Other names: c.607G>C (NM_000088.3); short protein forms G203R.
Identifiers: ClinVar variation 1355589 (VCV001355589.11), dbSNP rs72667030, ClinGen allele CA291548110.

ClinVar aggregate classification (germline): Pathogenic. Review status: criteria provided, multiple submitters, no conflicts (2 of 4 stars). 2 submissions from 2 submitters: Pathogenic (2). Last evaluated 2023-11-06.

Conditions:
Osteogenesis imperfecta type I (OI1). Also called: OI, TYPE I; OSTEOGENESIS IMPERFECTA TARDA; OSTEOGENESIS IMPERFECTA WITH BLUE SCLERAE; Osteogenesis imperfecta type 1; Lobstein disease; Classic Non-deforming Osteogenesis Imperfecta with Blue Sclerae. Identifiers: Orphanet 216796, Orphanet 666, MedGen C0023931, MONDO:0008146, OMIM 166200. Disease mechanism: loss of function.

Submissions (2):

Revvity Omics, Revvity
Classification: Pathogenic. Last evaluated: 2023-11-06. Review status: criteria provided, single submitter. Criteria: ACMG Guidelines, 2015. Collection method: clinical testing. Allele origin: germline.

Labcorp Genetics (formerly Invitae), Labcorp
Classification: Pathogenic for Osteogenesis imperfecta type I. Last evaluated: 2021-04-02. Review status: criteria provided, single submitter. Criteria: Invitae Variant Classification Sherloc (09022015). Collection method: clinical testing. Allele origin: germline.
Comment: For these reasons, this variant has been classified as Pathogenic. This variant disrupts the triple helix domain of COL1A1. Glycine residues within the Gly-Xaa-Yaa repeats of the triple helix domain are required for the structure and stability of fibrillar collagens (PMID: 7695699, 8218237, 19344236). In COL1A1, variants affecting these glycine residues are significantly enriched in individuals with disease (PMID: 9016532, 17078022) compared to the general population (ExAC). Advanced modeling of protein sequence and biophysical properties (such as structural, functional, and spatial information, amino acid conservation, physicochemical variation, residue mobility, and thermodynamic stability) performed at Invitae indicates that this missense variant is expected to disrupt COL1A1 protein function. This variant has been observed in individual(s) with osteogenesis imperfecta (PMID: 17078022). This variant is not present in population databases (ExAC no frequency). This sequence change replaces glycine with arginine at codon 203 of the COL1A1 protein (p.Gly203Arg). The glycine residue is highly conserved and there is a moderate physicochemical difference between glycine and arginine.

Literature cited by the submitters: PubMed 7695699 (cited by Labcorp Genetics (formerly Invitae), Labcorp); PubMed 8218237 (cited by Labcorp Genetics (formerly Invitae), Labcorp); PubMed 19344236 (cited by Labcorp Genetics (formerly Invitae), Labcorp); PubMed 9016532 (cited by Labcorp Genetics (formerly Invitae), Labcorp); PubMed 17078022 (cited by Labcorp Genetics (formerly Invitae), Labcorp).